The following is an entry in ClinVar:

ClinVar aggregate classification (germline): Uncertain significance (1 of 4 stars; one submission).

Conditions:
Baller-Gerold syndrome (BGS). Also called: CRANIOSYNOSTOSIS WITH RADIAL DEFECTS. Identifiers: Orphanet 1225, MedGen C0265308, MONDO:0009039, OMIM 218600.

Submission:

Labcorp Genetics (formerly Invitae), Labcorp
Classification: Uncertain significance for Baller-Gerold syndrome. Last evaluated: 2019-12-17. Review status: criteria provided, single submitter. Criteria: Invitae Variant Classification Sherloc (09022015). Collection method: clinical testing. Allele origin: germline.
Comment: In summary, the available evidence is currently insufficient to determine the role of this variant in disease. Therefore, it has been classified as a Variant of Uncertain Significance. Algorithms developed to predict the effect of missense changes on protein structure and function are either unavailable or do not agree on the potential impact of this missense change (SIFT: "Deleterious"; PolyPhen-2: "Not Available"; Align-GVGD: "Class C55"). This variant has not been reported in the literature in individuals with RECQL4-related conditions. This variant is present in population databases (rs768986171, ExAC 0.007%). This sequence change replaces glycine with alanine at codon 777 of the RECQL4 protein (p.Gly777Ala). The glycine residue is highly conserved and there is a small physicochemical difference between glycine and alanine.

NM_004260.4(RECQL4):c.2330G>C (p.Gly777Ala)

Gene: RECQL4 (RecQ like helicase 4; minus strand). Cytogenetic location: 8q24.3.
Variant type: single nucleotide variant.
Coding change: c.2330G>C on transcript NM_004260.4 (MANE Select); coding-DNA position 2330, G replaced by C.
Protein change: p.Gly777Ala; replaces glycine 777 with alanine.
Molecular consequence: missense variant.
Genome position (GRCh38, 1-based): chr8:144,513,351, C>G on the plus strand (G>C on the coding strand, the complement: RECQL4 is on the minus strand). VCF-style: chr8-144513351-C-G. GRCh37 (hg19) VCF-style: chr8-145738734-C-G.
Other names: short protein forms G777A.
Identifiers: ClinVar variation 848710 (VCV000848710.5), dbSNP rs768986171, ClinGen allele CA4948332.
Genomic context (GRCh38, chr8:144,513,351, plus strand): 5'-CTCTCGAAGCTTGGGGGCAGCCCCAGATGCAGCACAGCCCGCACATCTGGCCGGTCCAGC[C>G]CCATCCCAAAGGCCACCGTGGCCACCACCACCCGCAACTGGCCCTGCATGAAGGCTCGCT-3'
Protein context (NP_004251.4, residues 767-787): VVVATVAFGM[Gly777Ala]LDRPDVRAVL